The following is an entry in ClinVar:

ClinVar aggregate classification (germline): Conflicting classifications of pathogenicity. Review status: criteria provided, conflicting classifications (1 of 4 stars). 3 submissions from 3 submitters: Uncertain significance (1); Benign (1); Likely benign (1). Last evaluated 2025-12-29.

Conditions:
Rubinstein-Taybi syndrome due to EP300 haploinsufficiency. Also called: RUBINSTEIN-TAYBI SYNDROME 2; EP300-Related Rubinstein-Taybi Syndrome. Identifiers: Orphanet 353284, Orphanet 783, MedGen C3150941, MONDO:0013364, OMIM 613684.
EP300-related disorder. Also called: EP300-related condition; EP300-related disorders.

Allele frequency attached by ClinVar (database versions not stated): TOPMed below 0.00001; ExAC 0.00001; gnomAD exomes 0.00001.
gnomAD v4.1: 3 of 1,614,202 alleles (0.00019%); highest among the groups gnomAD compares: Admixed American, 0.005%; no homozygotes.

Submissions (3):

PreventionGenetics, part of Exact Sciences
Classification: Uncertain significance for EP300-related condition. Last evaluated: 2025-12-29. Review status: criteria provided, single submitter. Criteria: ACMG Guidelines, 2015. Collection method: clinical testing. Allele origin: germline.
Comment: The EP300 c.469C>A variant is predicted to result in the amino acid substitution p.Pro157Thr. To our knowledge, this variant has not been reported in the literature. This variant is reported in 0.0058% of alleles in individuals of Latino descent in gnomAD. At this time, the clinical significance of this variant is uncertain due to the absence of conclusive functional and genetic evidence.

Labcorp Genetics (formerly Invitae), Labcorp
Classification: Benign for Rubinstein-Taybi syndrome due to EP300 haploinsufficiency. Last evaluated: 2023-12-11. Review status: criteria provided, single submitter. Criteria: Invitae Variant Classification Sherloc (09022015). Collection method: clinical testing. Allele origin: germline.

GeneDx
Classification: Likely benign. Last evaluated: 2020-10-30. Review status: criteria provided, single submitter. Criteria: GeneDx Variant Classification Process June 2021. Collection method: clinical testing. Allele origin: germline. Affected: yes.
Comment: In silico analysis supports that this missense variant does not alter protein structure/function; Has not been previously published as pathogenic or benign to our knowledge

NM_001429.4(EP300):c.469C>A (p.Pro157Thr)

Gene: EP300 (EP300 lysine acetyltransferase; plus strand). Cytogenetic location: 22q13.2.
Variant type: single nucleotide variant.
Coding change: c.469C>A on transcript NM_001429.4 (MANE Select); coding-DNA position 469, C replaced by A.
Protein change: p.Pro157Thr; replaces proline 157 with threonine.
Molecular consequence: missense variant.
Genome position (GRCh38, 1-based): chr22:41,117,561, C>A. VCF-style: chr22-41117561-C-A. GRCh37 (hg19) VCF-style: chr22-41513565-C-A.
Other names: c.469C>A, p.Pro157Thr (NM_001362843.2); short protein forms P157T.
Identifiers: ClinVar variation 1210940 (VCV001210940.7), dbSNP rs748538778, ClinGen allele CA10252257.
Genomic context (GRCh38, chr22:41,117,561, plus strand): 5'-GGGATGGGCACTAGTGGACCAAATCAGGGTCCTACGCAGTCAACAGGTATGATGAACAGT[C>A]CAGTAAATCAGCCTGCCATGGGAATGAACACAGGGATGAATGCGGGCATGAATCCTGGAA-3'
Protein context (NP_001420.2, residues 147-167): PTQSTGMMNS[Pro157Thr]VNQPAMGMNT